The following is an entry in ClinVar:

NM_006767.4(LZTR1):c.1128_1129delinsAA (p.Pro377Thr)

Gene: LZTR1 (leucine zipper like post translational regulator 1; plus strand). Cytogenetic location: 22q11.21.
Variant type: Indel.
Coding change: c.1128_1129delinsAA on transcript NM_006767.4 (MANE Select); coding-DNA positions 1128 to 1129, GC replaced by AA.
Protein change: p.Pro377Thr; replaces proline 377 with threonine.
Molecular consequence: missense variant.
Genome position (GRCh38, 1-based): chr22:20,992,348-20,992,349, GC replaced by AA. VCF-style: chr22-20992348-GC-AA. GRCh37 (hg19) VCF-style: chr22-21346637-GC-AA.
Other names: short protein forms P377T.
Identifiers: ClinVar variation 3708781 (VCV003708781.2).

ClinVar aggregate classification (germline): Uncertain significance (1 of 4 stars; one submission).

Submission:

Labcorp Genetics (formerly Invitae), Labcorp
Classification: Uncertain significance. Last evaluated: 2025-09-14. Review status: criteria provided, single submitter. Criteria: Invitae Variant Classification Sherloc (09022015). Collection method: clinical testing. Allele origin: germline.
Comment: This sequence change replaces proline, which is neutral and non-polar, with threonine, which is neutral and polar, at codon 377 of the LZTR1 protein (p.Pro377Thr). Information on the frequency of this variant in the gnomAD database is not available, as this variant may be reported differently in the database. This variant has not been reported in the literature in individuals affected with LZTR1-related conditions. ClinVar contains an entry for this variant (Variation ID: 3708781). Experimental studies and prediction algorithms are not available or were not evaluated, and the functional significance of this variant is currently unknown. In summary, the available evidence is currently insufficient to determine the role of this variant in disease. Therefore, it has been classified as a Variant of Uncertain Significance.